The following is an entry in ClinVar:

ClinVar aggregate classification (germline): Likely benign. Review status: criteria provided, multiple submitters, no conflicts (2 of 4 stars). 2 submissions from 2 submitters: Likely benign (2). Last evaluated 2024-08-21.

Conditions:
Charcot-Marie-Tooth disease type 4. Also called: Charcot-Marie-Tooth disease, type IV; Charcot-Marie-Tooth, Type 4. Identifiers: Orphanet 64749, MedGen C4082197, MONDO:0018995.

Allele frequency attached by ClinVar (database versions not stated): gnomAD exomes below 0.00001; ExAC 0.00001.
gnomAD v4.1: 6 of 1,609,142 alleles (0.00037%); highest among the groups gnomAD compares: Non-Finnish European, 0.00051%; no homozygotes.

Submissions (2):

Labcorp Genetics (formerly Invitae), Labcorp
Classification: Likely benign for Charcot-Marie-Tooth disease type 4. Last evaluated: 2024-08-21. Review status: criteria provided, single submitter. Criteria: Invitae Variant Classification Sherloc (09022015). Collection method: clinical testing. Allele origin: germline.

GeneDx
Classification: Likely benign. Last evaluated: 2016-12-07. Review status: criteria provided, single submitter. Criteria: GeneDx Variant Classification (06012015). Collection method: clinical testing. Allele origin: germline. Affected: yes.
Comment: This variant is considered likely benign or benign based on one or more of the following criteria: it is a conservative change, it occurs at a poorly conserved position in the protein, it is predicted to be benign by multiple in silico algorithms, and/or has population frequency not consistent with disease.

NM_030962.4(SBF2):c.1860+10A>G

Gene: SBF2 (SET binding factor 2; minus strand). Cytogenetic location: 11p15.4.
Variant type: single nucleotide variant.
Coding change: c.1860+10A>G on transcript NM_030962.4 (MANE Select); 10 bases into the intron after coding-DNA position 1860, A replaced by G.
Molecular consequence: intron variant.
Genome position (GRCh38, 1-based): chr11:9,961,947, T>C on the plus strand (A>G on the coding strand, the complement: SBF2 is on the minus strand). VCF-style: chr11-9961947-T-C. GRCh37 (hg19) VCF-style: chr11-9983494-T-C.
Other names: c.1731+10A>G (NM_001386342.1); c.1860+10A>G (NM_001386339.1).
Identifiers: ClinVar variation 391542 (VCV000391542.10), dbSNP rs778305149, ClinGen allele CA5881731.